The following is an entry in ClinVar:

ClinVar aggregate classification (germline): Uncertain significance (1 of 4 stars; one submission).

Conditions:
Focal segmental glomerulosclerosis 7 (FSGS7). Identifiers: Orphanet 656, MedGen C4014925, MONDO:0014451, OMIM 616002.

Submission:

MVZ Medizinische Genetik Mainz
Classification: Uncertain significance for Focal segmental glomerulosclerosis 7. Last evaluated: 2022-03-30. Review status: criteria provided, single submitter. Criteria: UK Practice Guidelines For Variant Classification V4 01 2020. Collection method: clinical testing. Allele origin: germline. Inheritance: Autosomal dominant inheritance. Affected: yes. Observed: 1 variant allele.
Comment: ACMG Criteria: PM1, PM2_SUP, PP3 (ACMG Version 3)

NM_000278.5(PAX2):c.157G>A (p.Asp53Asn)

Gene: PAX2 (paired box 2; plus strand). Cytogenetic location: 10q24.31.
Variant type: single nucleotide variant.
Coding change: c.157G>A on transcript NM_000278.5 (MANE Select); coding-DNA position 157, G replaced by A.
Protein change: p.Asp53Asn; replaces aspartic acid 53 with asparagine.
Molecular consequence: missense variant.
Genome position (GRCh38, 1-based): chr10:100,749,859, G>A. VCF-style: chr10-100749859-G-A. GRCh37 (hg19) VCF-style: chr10-102509616-G-A.
Other names: c.250G>A, p.Asp84Asn (NM_001304569.2); c.157G>A, p.Asp53Asn (NM_003987.5, NM_003988.5, NM_003989.5 and 1 more transcripts); short protein forms D53N, D84N.
Identifiers: ClinVar variation 3236379 (VCV003236379.1), dbSNP rs2492893484, ClinGen allele CA378257644.